The following is an entry in ClinVar:

ClinVar aggregate classification (germline): Conflicting classifications of pathogenicity. Review status: criteria provided, conflicting classifications (1 of 4 stars). 5 submissions from 5 submitters: Pathogenic (1); Likely pathogenic (1); Uncertain significance (2). 1 of the submissions does not count toward it. Last evaluated 2025-03-20.

Conditions:
Alopecia-intellectual disability syndrome 1. Also called: AMR SYNDROME. Identifiers: MedGen C1859878, MONDO:0021035, OMIM 203650.

Allele frequency attached by ClinVar (database versions not stated): ExAC 0.00009; gnomAD exomes 0.00009 and 0.00011; TOPMed 0.00012; ESP Exome Variant Server 0.00015.
gnomAD v4.1: 152 of 1,613,850 alleles (0.0094%); highest among the groups gnomAD compares: Middle Eastern, 0.21%; no homozygotes.

Submissions (5):

First Genomix Gene Laboratory, Genetic Diagnostics Department
Classification: Likely pathogenic for Alopecia-intellectual disability syndrome 1. Last evaluated: 2025-03-20. Review status: criteria provided, single submitter. Criteria: ACMG Guidelines, 2015. Collection method: clinical testing. Allele origin: germline. Inheritance: Autosomal recessive inheritance. Affected: no. Observed: 1 variant allele.

Blueprint Genetics
Classification: Uncertain significance. Last evaluated: 2024-11-15. Review status: criteria provided, single submitter. Criteria: ACMG Guidelines, 2015. Collection method: clinical testing. Allele origin: germline.

Genomic Medicine Center of Excellence, King Faisal Specialist Hospital and Research Centre
Classification: Uncertain significance for Alopecia-intellectual disability syndrome 1. Last evaluated: 2024-09-22. Review status: criteria provided, single submitter. Criteria: ACMG Guidelines, 2015. Collection method: clinical testing. Allele origin: germline.

Baylor Genetics
Classification: Pathogenic for Alopecia-intellectual disability syndrome 1. Last evaluated: 2020-01-10. Review status: criteria provided, single submitter. Criteria: ACMG Guidelines, 2015. Collection method: clinical testing. Allele origin: unknown. Affected: yes.
Comment: This variant was determined to be pathogenic according to ACMG Guidelines, 2015 [PMID:25741868].

OMIM
Classification: Uncertain significance for VARIANT OF UNKNOWN SIGNIFICANCE. Last evaluated: 2022-02-15. Review status: no assertion criteria provided. Collection method: literature only. Allele origin: germline. Not counted in ClinVar's aggregate classification.

Literature cited by the submitters: PubMed 31288248 (cited by OMIM).

NM_001622.4(AHSG):c.4A>T (p.Lys2Ter)

Gene: AHSG (alpha 2-HS glycoprotein; plus strand). Cytogenetic location: 3q27.3.
Variant type: single nucleotide variant.
Coding change: c.4A>T on transcript NM_001622.4 (MANE Select); coding-DNA position 4, A replaced by T.
Protein change: p.Lys2Ter; replaces lysine 2 with a stop codon.
Molecular consequence: nonsense.
Genome position (GRCh38, 1-based): chr3:186,613,145, A>T. VCF-style: chr3-186613145-A-T. GRCh37 (hg19) VCF-style: chr3-186330934-A-T.
Other names: c.4A>T, p.Lys2Ter (NM_001354571.2, NM_001354572.2, NM_001354573.2); short protein forms K2*.
Identifiers: ClinVar variation 1029361 (VCV001029361.5), dbSNP rs370627604, ClinGen allele CA2744752.